The following is an entry in ClinVar:

NM_145239.3(PRRT2):c.490G>A (p.Glu164Lys)

Genes: MVP-DT (MVP divergent transcript; minus strand), PRRT2 (proline rich transmembrane protein 2; plus strand). Cytogenetic location: 16p11.2.
Variant type: single nucleotide variant.
Coding change: c.490G>A on transcript NM_145239.3 (MANE Select); coding-DNA position 490, G replaced by A.
Protein change: p.Glu164Lys; replaces glutamic acid 164 with lysine.
Molecular consequence: missense variant.
Genome position (GRCh38, 1-based): chr16:29,813,544, G>A. VCF-style: chr16-29813544-G-A. GRCh37 (hg19) VCF-style: chr16-29824865-G-A.
Other names: c.490G>A (NM_145239.2); c.490G>A, p.Glu164Lys (NM_001256442.2, NM_001256443.2); short protein forms E164K.
Identifiers: ClinVar variation 1024078 (VCV001024078.10), dbSNP rs752707110, ClinGen allele CA7994537.

ClinVar aggregate classification (germline): Conflicting classifications of pathogenicity. Review status: criteria provided, conflicting classifications (1 of 4 stars). 2 submissions from 2 submitters: Uncertain significance (1); Likely benign (1). Last evaluated 2025-02-20.

Conditions:
Episodic kinesigenic dyskinesia (EKD). Also called: Paroxysmal kinesigenic dyskinesia. Identifiers: Orphanet 98809, MedGen C1868682, MONDO:0044202.

Allele frequency attached by ClinVar (database versions not stated): gnomAD 0.00001; gnomAD exomes below 0.00001; ExAC 0.00001; TOPMed 0.00002.
gnomAD v4.1: 5 of 1,613,718 alleles (0.00031%); highest among the groups gnomAD compares: African/African-American, 0.004%; no homozygotes.

Submissions (2):

Labcorp Genetics (formerly Invitae), Labcorp
Classification: Likely benign for Episodic kinesigenic dyskinesia. Last evaluated: 2025-02-20. Review status: criteria provided, single submitter. Criteria: Invitae Variant Classification Sherloc (09022015). Collection method: clinical testing. Allele origin: germline.

Women's Health and Genetics/Laboratory Corporation of America, LabCorp
Classification: Uncertain significance. Last evaluated: 2023-09-26. Review status: criteria provided, single submitter. Criteria: LabCorp Variant Classification Summary - May 2015. Collection method: clinical testing. Allele origin: germline.
Comment: Variant summary: PRRT2 c.490G>A (p.Glu164Lys) results in a conservative amino acid change in the encoded protein sequence. Four of five in-silico tools predict a benign effect of the variant on protein function. The variant allele was found at a frequency of 4e-06 in 249876 control chromosomes (gnomAD). The available data on variant occurrences in the general population are insufficient to allow any conclusion about variant significance. To our knowledge, no occurrence of c.490G>A in individuals affected with Episodic Kinesigenic Dyskinesia 1 and no experimental evidence demonstrating its impact on protein function have been reported. One submitter has cited clinical-significance assessments for this variant to ClinVar after 2014 and has classified the variant as uncertain significance. Based on the evidence outlined above, the variant was classified as uncertain significance.